The following is an entry in ClinVar:

NM_001355436.2(SPTB):c.5915G>A (p.Arg1972Gln)

Gene: SPTB (spectrin beta, erythrocytic; minus strand). Cytogenetic location: 14q23.3.
Variant type: single nucleotide variant.
Coding change: c.5915G>A on transcript NM_001355436.2 (MANE Select); coding-DNA position 5915, G replaced by A.
Protein change: p.Arg1972Gln; replaces arginine 1972 with glutamine.
Molecular consequence: missense variant.
Genome position (GRCh38, 1-based): chr14:64,769,612, C>T on the plus strand (G>A on the coding strand, the complement: SPTB is on the minus strand). VCF-style: chr14-64769612-C-T. GRCh37 (hg19) VCF-style: chr14-65236330-C-T.
Other names: NM_000347.5:c.5915G>A; c.5915G>A (NM_001024858.2); c.5915G>A, p.Arg1972Gln (NM_001024858.4, NM_001355437.2); short protein forms R1972Q.
Identifiers: ClinVar variation 313705 (VCV000313705.43), dbSNP rs140141633, ClinGen allele CA7229832.

ClinVar aggregate classification (germline): Conflicting classifications of pathogenicity. Review status: criteria provided, conflicting classifications (1 of 4 stars). 7 submissions from 7 submitters: Uncertain significance (3); Likely benign (4). Last evaluated 2026-04-16.

Conditions:
SPTB-related disorder. Also called: SPTB-Related Disorders; SPTB-related condition.
Elliptocytosis 3 (EL3). Identifiers: MedGen C1866810, MONDO:0054780, OMIM 617948.

Allele frequency attached by ClinVar (database versions not stated): ExAC 0.00097; gnomAD exomes 0.00109; gnomAD 0.00127 and 0.00132; TOPMed 0.00127; ESP Exome Variant Server 0.00223; 1000 Genomes Project 30x 0.00016; 1000 Genomes Project 0.00020.
gnomAD v4.1: 3,520 of 1,614,034 alleles (0.22%); highest among the groups gnomAD compares: Non-Finnish European, 0.27%; 5 homozygotes.

Submissions (7):

PreventionGenetics, part of Exact Sciences
Classification: Likely benign for SPTB-related condition. Last evaluated: 2026-04-16. Review status: criteria provided, single submitter. Criteria: ACMG Guidelines, 2015. Collection method: clinical testing. Allele origin: germline.
Comment: This variant is classified as likely benign based on ACMG/AMP sequence variant interpretation guidelines (Richards et al. 2015 PMID: 25741868, with internal and published modifications).

Labcorp Genetics (formerly Invitae), Labcorp
Classification: Likely benign. Last evaluated: 2026-01-28. Review status: criteria provided, single submitter. Criteria: Invitae Variant Classification Sherloc (09022015). Collection method: clinical testing. Allele origin: germline.

Mayo Clinic Laboratories, Mayo Clinic
Classification: Uncertain significance. Last evaluated: 2025-10-28. Review status: criteria provided, single submitter. Criteria: ACMG Guidelines, 2015. Collection method: clinical testing. Allele origin: germline. Observed: 6 variant alleles.

ARUP Laboratories, Molecular Genetics and Genomics, ARUP Laboratories
Classification: Likely benign. Last evaluated: 2025-06-30. Review status: criteria provided, single submitter. Criteria: ARUP Molecular Germline Variant Investigation Process 2024. Collection method: clinical testing. Allele origin: germline.

CeGaT Center for Human Genetics Tuebingen
Classification: Likely benign. Last evaluated: 2025-05-01. Review status: criteria provided, single submitter. Criteria: CeGaT Center For Human Genetics Tuebingen Variant Classification Criteria Version 2. Collection method: clinical testing. Allele origin: germline. Affected: yes. Observed: 3 variant alleles.
Comment: SPTB: BP4, BS1

GeneDx
Classification: Uncertain significance. Last evaluated: 2023-09-01. Review status: criteria provided, single submitter. Criteria: GeneDx Variant Classification Process June 2021. Collection method: clinical testing. Allele origin: germline. Affected: yes.
Comment: Has been observed in the heterozygous state in a patient with with hereditary spherocytosis who also harbored a heterozygous nonsense variant in ANK1 (Tole et al., 2020); In silico analysis supports that this missense variant has a deleterious effect on protein structure/function; This variant is associated with the following publications: (PMID: 32436265)

Baylor Genetics
Classification: Uncertain significance for Elliptocytosis 3. Last evaluated: 2020-03-09. Review status: criteria provided, single submitter. Criteria: ACMG Guidelines, 2015. Collection method: clinical testing. Allele origin: unknown. Affected: yes.
Comment: This variant was determined to be of uncertain significance according to ACMG Guidelines, 2015 [PMID:25741868].